The following is an entry in ClinVar:

NM_030665.4(RAI1):c.2217C>A (p.Asp739Glu)

Gene: RAI1 (retinoic acid induced 1; plus strand). Cytogenetic location: 17p11.2.
Variant type: single nucleotide variant.
Coding change: c.2217C>A on transcript NM_030665.4 (MANE Select); coding-DNA position 2217, C replaced by A.
Protein change: p.Asp739Glu; replaces aspartic acid 739 with glutamic acid.
Molecular consequence: missense variant.
Genome position (GRCh38, 1-based): chr17:17,795,165, C>A. VCF-style: chr17-17795165-C-A. GRCh37 (hg19) VCF-style: chr17-17698479-C-A.
Other names: c.2217C>A (NM_030665.3); short protein forms D739E.
Identifiers: ClinVar variation 4748828 (VCV004748828.2).
Genomic context (GRCh38, chr17:17,795,165, plus strand): 5'-AGACCCCACTACAGCAGCTTTTGACTGTTTCCCGGACACAACCGCTGCCAGCTCAGCGGA[C>A]AGCGCCAACCCCTTTGCCTGGCCAGAGGAAAACCTGGGGGATGCTTGTCCCAGGTGGGGA-3'
Protein context (NP_109590.3, residues 729-749): FPDTTAASSA[Asp739Glu]SANPFAWPEE

ClinVar aggregate classification (germline): Uncertain significance. Review status: criteria provided, multiple submitters, no conflicts (2 of 4 stars). 2 submissions from 2 submitters: Uncertain significance (2). Last evaluated 2025-10-15.

Conditions:
RAI1-related disorder. Also called: RAI1-related condition.

gnomAD v4.1: 49 of 1,614,046 alleles (0.003%); highest among the groups gnomAD compares: Non-Finnish European, 0.0042%; no homozygotes.

Submissions (2):

PreventionGenetics, part of Exact Sciences
Classification: Uncertain significance for RAI1-related condition. Last evaluated: 2025-10-15. Review status: criteria provided, single submitter. Criteria: ACMG Guidelines, 2015. Collection method: clinical testing. Allele origin: germline.
Comment: The RAI1 c.2217C>A variant is predicted to result in the amino acid substitution p.Asp739Glu. To our knowledge, this variant has not been reported in the literature. This variant is reported in 0.00088% of alleles in individuals of European (Non-Finnish) descent in gnomAD. At this time, the clinical significance of this variant is uncertain due to the absence of conclusive functional and genetic evidence.

Labcorp Genetics (formerly Invitae), Labcorp
Classification: Uncertain significance. Last evaluated: 2025-09-15. Review status: criteria provided, single submitter. Criteria: Invitae Variant Classification Sherloc (09022015). Collection method: clinical testing. Allele origin: germline.
Comment: This sequence change replaces aspartic acid, which is acidic and polar, with glutamic acid, which is acidic and polar, at codon 739 of the RAI1 protein (p.Asp739Glu). This variant is present in population databases (no rsID available, gnomAD 0.0009%). This variant has not been reported in the literature in individuals affected with RAI1-related conditions. An algorithm developed to predict the effect of missense changes on protein structure and function (PolyPhen-2) suggests that this variant is likely to be tolerated. In summary, the available evidence is currently insufficient to determine the role of this variant in disease. Therefore, it has been classified as a Variant of Uncertain Significance.